The following is an entry in ClinVar:

NM_014370.4(SRPK3):c.317C>T (p.Ala106Val)

Gene: SRPK3 (SRSF protein kinase 3; plus strand). Cytogenetic location: Xq28.
Variant type: single nucleotide variant.
Coding change: c.317C>T on transcript NM_014370.4 (MANE Select); coding-DNA position 317, C replaced by T.
Protein change: p.Ala106Val; replaces alanine 106 with valine.
Molecular consequence: missense variant.
Genome position (GRCh38, 1-based): chrX:153,781,760, C>T. VCF-style: chrX-153781760-C-T. GRCh37 (hg19) VCF-style: chrX-153047215-C-T.
Other names: c.317C>T, p.Ala106Val (NM_001170760.2, NM_001170761.2); short protein forms A106V.
Identifiers: ClinVar variation 3962174 (VCV003962174.2).

ClinVar aggregate classification (germline): Uncertain significance. Review status: criteria provided, multiple submitters, no conflicts (2 of 4 stars). 2 submissions from 2 submitters: Uncertain significance (2). Last evaluated 2026-02-10.

gnomAD v4.1: 5 of 1,210,544 alleles (0.00041%); highest among the groups gnomAD compares: African/African-American, 0.0069%; no homozygotes.

Submissions (2):

GeneDx
Classification: Uncertain significance. Last evaluated: 2026-02-10. Review status: criteria provided, single submitter. Criteria: GeneDx Variant Classification Process June 2021. Collection method: clinical testing. Allele origin: germline.
Comment: In silico analysis supports that this missense variant has a deleterious effect on protein structure/function; Has not been previously published as pathogenic or benign to our knowledge

Ambry Genetics
Classification: Uncertain significance. Last evaluated: 2025-04-15. Review status: criteria provided, single submitter. Criteria: Ambry Variant Classification Scheme 2023. Collection method: clinical testing. Allele origin: germline.